The following is an entry in ClinVar:

NM_002691.4(POLD1):c.970+1dup

Gene: POLD1 (DNA polymerase delta 1, catalytic subunit; plus strand). Cytogenetic location: 19q13.33.
Variant type: Duplication.
Coding change: c.970+1dup on transcript NM_002691.4 (MANE Select); the canonical splice donor site of the intron after coding-DNA position 970, one base duplicated (G; older notation c.970+1dupG).
Molecular consequence: splice donor variant.
Genome position (GRCh38, 1-based): chr19:50,402,742, G duplicated; the last of 2 consecutive G bases (chr19:50,402,741-50,402,742); duplicating either gives the same sequence. VCF-style (leftmost placement, unchanged base first): chr19-50402740-A-AG. GRCh37 (hg19) VCF-style: chr19-50905997-A-AG.
Other names: c.970+1dupG (NM_002691.3, NM_002691.2); c.970+1dup (NM_001256849.1, NM_001308632.1).
Identifiers: ClinVar variation 537058 (VCV000537058.16), dbSNP rs1412316742, ClinGen allele CA633897629.

ClinVar aggregate classification (germline): Uncertain significance. Review status: criteria provided, multiple submitters, no conflicts (2 of 4 stars). 5 submissions from 5 submitters: Uncertain significance (5). Last evaluated 2025-08-13.

Conditions:
Familial colorectal cancer type X. Identifiers: Orphanet 440437, MedGen C3896578, MONDO:0018604.
Hereditary cancer-predisposing syndrome. Also called: Tumor predisposition; Neoplastic Syndromes, Hereditary; Hereditary Cancer Syndrome; Hereditary neoplastic syndrome. Identifiers: Orphanet 140162, MedGen C0027672, MeSH D009386, MONDO:0015356.
POLD1-related polyposis and colorectal cancer syndrome (CRCS10). Also called: Colorectal cancer 10; COLORECTAL CANCER, SUSCEPTIBILITY TO, ON CHROMOSOME 19q; Colorectal cancer, susceptibility to, 10. Identifiers: Orphanet 220460, MedGen C2675481, MONDO:0012953, OMIM 612591.

Submissions (5):

Labcorp Genetics (formerly Invitae), Labcorp
Classification: Uncertain significance for POLD1-related polyposis and colorectal cancer syndrome. Last evaluated: 2025-08-13. Review status: criteria provided, single submitter. Criteria: Invitae Variant Classification Sherloc (09022015). Collection method: clinical testing. Allele origin: germline.
Comment: This sequence change affects a splice site in intron 8 of the POLD1 gene. Missense variants that disrupt the 3'-5' exonuclease (proof-reading) activity of the POLD1 protein are associated with PPAP (polymerase proofreading–associated polyposis) (PMID: 23263490, 23447401). However, loss-of-function variants that result in an absent or severely disrupted POLD1 protein, and missense variants outside the exonuclease domain, are unlikely to be associated with PPAP. This variant is present in population databases (no rsID available, gnomAD 0.0009%). This variant has not been reported in the literature in individuals affected with POLD1-related conditions. ClinVar contains an entry for this variant (Variation ID: 537058). Algorithms developed to predict the effect of sequence changes on RNA splicing suggest that this variant may disrupt the consensus splice site. In summary, the available evidence is currently insufficient to determine the role of this variant in disease. Therefore, it has been classified as a Variant of Uncertain Significance.

Ambry Genetics
Classification: Uncertain significance for Hereditary cancer-predisposing syndrome. Last evaluated: 2025-05-09. Review status: criteria provided, single submitter. Criteria: Ambry Variant Classification Scheme 2023. Collection method: clinical testing. Allele origin: germline.
Comment: The c.970+1dupG variant results from a duplication of 1 nucleotide at position c.970+1 and involves the canonical splice donor site after coding exon 7 of the POLD1 gene. In silico splice site analysis predicts that this alteration will weaken the native splice donor site and will result in the creation or strengthening of a novel splice donor site. The canonical splice donor site is highly conserved in available vertebrate species. Alterations that disrupt the canonical splice site are expected to cause aberrant splicing, resulting in an abnormal protein or a transcript that is subject to nonsense-mediated mRNA decay. However, loss of function of POLD1 has not been established as a mechanism of disease. Based on the available evidence, the clinical significance of this variant remains unclear.

Quest Diagnostics Nichols Institute San Juan Capistrano
Classification: Uncertain significance. Last evaluated: 2023-11-24. Review status: criteria provided, single submitter. Criteria: Quest Diagnostics criteria. Collection method: clinical testing. Allele origin: unknown.
Comment: The POLD1 c.970+1dup variant disrupts a canonical splice-donor site and is predicted to interfere with normal POLD1 mRNA splicing. However, loss of function is not an established disease mechanism for the POLD1 gene. This variant has not been reported in individuals with POLD1-related conditions in the published literature. The frequency of this variant in the general population, 0.0000042 (1/240636 chromosomes (Genome Aggregation Database)), is uninformative in the assessment of its pathogenicity. Based on the available information, we are unable to determine the clinical significance of this variant.

Department of Pathology and Laboratory Medicine, Sinai Health System
Classification: Uncertain significance for Familial colorectal cancer type X. Last evaluated: 2023-10-19. Review status: criteria provided, single submitter. Criteria: ACMG Guidelines, 2015. Collection method: clinical testing. Allele origin: germline. Affected: yes.

GeneDx
Classification: Uncertain significance. Last evaluated: 2023-07-07. Review status: criteria provided, single submitter. Criteria: GeneDx Variant Classification Process June 2021. Collection method: clinical testing. Allele origin: germline. Affected: yes.
Comment: Canonical splice site variant predicted to result in a null allele in a gene for which loss of function is not an established mechanism of disease; Not observed at significant frequency in large population cohorts (gnomAD); Has not been previously published as pathogenic or benign to our knowledge

Literature cited by the submitters: PubMed 23263490 (cited by Labcorp Genetics (formerly Invitae), Labcorp); PubMed 23447401 (cited by Labcorp Genetics (formerly Invitae), Labcorp).